The following is an entry in ClinVar:

ClinVar aggregate classification (germline): Conflicting classifications of pathogenicity. Review status: criteria provided, conflicting classifications (1 of 4 stars). 8 submissions from 8 submitters: Likely pathogenic (2); Uncertain significance (6). Last evaluated 2025-12-20.

Conditions:
Autosomal recessive nonsyndromic hearing loss 12. Also called: DEAFNESS, AUTOSOMAL RECESSIVE 12. Identifiers: Orphanet 90636, MedGen C1832394, MONDO:0011067, OMIM 601386.
Pituitary adenoma 5, multiple types. Identifiers: MedGen C4539685, MONDO:0054601, OMIM 617540.
Usher syndrome type 1D (USH1D). Also called: USHER SYNDROME, TYPE ID. Identifiers: Orphanet 231169, Orphanet 886, MedGen C1832845, MONDO:0010984, OMIM 601067.
Usher syndrome type 1 (USH1). Also called: RETINITIS PIGMENTOSA AND CONGENITAL DEAFNESS. Identifiers: Orphanet 231169, Orphanet 886, MedGen C1568247, MONDO:0010168, OMIM 276900.

Allele frequency attached by ClinVar (database versions not stated): gnomAD 0.00001 and 0.00003; ExAC 0.00002; TOPMed 0.00003; gnomAD exomes 0.00006.
gnomAD v4.1: 54 of 1,614,000 alleles (0.0033%); highest among the groups gnomAD compares: East Asian, 0.062%; no homozygotes.

Submissions (8):

Natera, Inc.
Classification: Likely pathogenic for Usher syndrome type 1. Last evaluated: 2025-12-20. Review status: criteria provided, single submitter. Criteria: Natera Variant Classification Schema (03/2026). Collection method: clinical testing. Allele origin: germline.
Comment: The c.7145G>A variant in CDH23 is a missense variant predicted to cause substitution of arginine to glutamine at amino acid 2382. This variant is rare in the general population with a frequency below the threshold expected for the associated phenotype(s). This variant has been observed in one or more individuals affected with the associated recessive disease, as either homozygous or compound heterozygous with a second variant (PMID: 35020051, 28383030). Computational prediction algorithms indicate this variant is likely to affect gene or protein function. Given the available evidence, this variant is classified as Likely Pathogenic.

Baylor Genetics
Classification: Likely pathogenic for Pituitary adenoma 5, multiple types. Last evaluated: 2024-03-19. Review status: criteria provided, single submitter. Criteria: ACMG Guidelines, 2015. Collection method: clinical testing. Allele origin: unknown.

3billion
Classification: Uncertain significance for Autosomal recessive nonsyndromic hearing loss 12. Last evaluated: 2022-09-17. Review status: criteria provided, single submitter. Criteria: ACMG Guidelines, 2015. Collection method: clinical testing. Allele origin: germline. Affected: yes. Observed: 1 heterozygote.
Comment: The variant is observed at an extremely low frequency in the gnomAD v2.1.1 dataset (total allele frequency: 0.006%). While this variant results in missense change, protein truncation variants are a common disease-causing mechanism. In silico tool predictions suggest no damaging effect of the variant on gene or gene product (REVEL: 0.24; 3Cnet: 0.21). Same nucleotide change resulting in same amino acid change has been previously reported to be associated with CDH23-related disorder (PMID: 23967202). However, the evidence of pathogenicity is insufficient at this time. Therefore, this variant is classified as uncertain significance according to the recommendation of ACMG/AMP guideline.

Labcorp Genetics (formerly Invitae), Labcorp
Classification: Uncertain significance. Last evaluated: 2022-07-07. Review status: criteria provided, single submitter. Criteria: Invitae Variant Classification Sherloc (09022015). Collection method: clinical testing. Allele origin: germline.
Comment: This sequence change replaces arginine, which is basic and polar, with glutamine, which is neutral and polar, at codon 2382 of the CDH23 protein (p.Arg2382Gln). This variant is present in population databases (rs759439688, gnomAD 0.07%). This missense change has been observed in individual(s) with deafness (PMID: 23967202, 28383030, 31541171). ClinVar contains an entry for this variant (Variation ID: 498100). Algorithms developed to predict the effect of missense changes on protein structure and function are either unavailable or do not agree on the potential impact of this missense change (SIFT: "Deleterious"; PolyPhen-2: "Not Available"; Align-GVGD: "Class C35"). Algorithms developed to predict the effect of sequence changes on RNA splicing suggest that this variant may create or strengthen a splice site. In summary, the available evidence is currently insufficient to determine the role of this variant in disease. Therefore, it has been classified as a Variant of Uncertain Significance.

Blueprint Genetics
Classification: Uncertain significance. Last evaluated: 2022-06-02. Review status: criteria provided, single submitter. Criteria: ACMG Guidelines, 2015. Collection method: clinical testing. Allele origin: germline.

Women's Health and Genetics/Laboratory Corporation of America, LabCorp
Classification: Uncertain significance. Last evaluated: 2022-04-07. Review status: criteria provided, single submitter. Criteria: LabCorp Variant Classification Summary - May 2015. Collection method: clinical testing. Allele origin: germline.
Comment: Variant summary: CDH23 c.7145G>A (p.Arg2382Gln) results in a conservative amino acid change in the encoded protein sequence. Three of five in-silico tools predict a benign effect of the variant on protein function. The variant allele was found at a frequency of 6.4e-05 in 249240 control chromosomes, predominantly at a frequency of 0.00067 within the East Asian subpopulation in the gnomAD database. This frequency is not significantly higher than estimated for a pathogenic variant in CDH23 causing Usher Syndrome (6.4e-05 vs 0.0032), allowing no conclusion about variant significance. c.7145G>A has been reported in the literature as a compound heterozygous or non-informative (second allele not specified) genotype predominantly in East Asian cohorts with deafness/non-syndromic hearing loss (NSHL) and no reported family history (example, Miyagawa_2013, Jung_2017, Yuan_2020). These data indicate that the variant may be associated with disease. To our knowledge, no experimental evidence demonstrating an impact on protein function has been reported. One clinical diagnostic laboratory has submitted clinical-significance assessments for this variant to ClinVar after 2014 without evidence for independent evaluation and classified the variant as uncertain significance. Based on the evidence outlined above, the variant was classified as VUS-possibly pathogenic.

Fulgent Genetics
Classification: Uncertain significance for Usher syndrome type 1D; Autosomal recessive nonsyndromic hearing loss 12; Pituitary adenoma 5, multiple types. Last evaluated: 2021-08-13. Review status: criteria provided, single submitter. Criteria: ACMG Guidelines, 2015. Collection method: clinical testing. Allele origin: unknown.

Eurofins Ntd Llc (ga)
Classification: Uncertain significance. Last evaluated: 2016-12-08. Review status: criteria provided, single submitter. Criteria: EGL Classification Definitions 2015. Collection method: clinical testing. Allele origin: germline. Observed: 2 variant alleles, 2 heterozygotes.

Literature cited by the submitters: PubMed 35020051 (cited by Natera, Inc.); PubMed 28383030 (cited by 3 submitters); PubMed 23967202 (cited by Labcorp Genetics (formerly Invitae), Labcorp and Women's Health and Genetics/Laboratory Corporation of America, LabCorp); PubMed 31541171 (cited by Labcorp Genetics (formerly Invitae), Labcorp and Women's Health and Genetics/Laboratory Corporation of America, LabCorp).

NM_022124.6(CDH23):c.7145G>A (p.Arg2382Gln)

Gene: CDH23 (cadherin related 23; plus strand). Cytogenetic location: 10q22.1.
Variant type: single nucleotide variant.
Coding change: c.7145G>A on transcript NM_022124.6 (MANE Select); coding-DNA position 7145, G replaced by A.
Protein change: p.Arg2382Gln; replaces arginine 2382 with glutamine.
Molecular consequence: missense variant.
Genome position (GRCh38, 1-based): chr10:71,799,201, G>A. VCF-style: chr10-71799201-G-A. GRCh37 (hg19) VCF-style: chr10-73558958-G-A.
Other names: c.425G>A, p.Arg142Gln (NM_001171933.1, NM_001171934.1); short protein forms R2382Q, R142Q.
Identifiers: ClinVar variation 498100 (VCV000498100.14), dbSNP rs759439688, ClinGen allele CA5546273.
Genomic context (GRCh38, chr10:71,799,201, plus strand): 5'-ACGAGGAGGTGCACTGGCTCAACTTTACCGTGAGGGCCTCAGACAACGGGTCCCCGCCCC[G>A]GGCAGCTGAGATCCCTGTCTACCTGGAAATCGTGGACATCAATGACAACAACCCCATCTT-3'
Protein context (NP_071407.4, residues 2372-2392): VRASDNGSPP[Arg2382Gln]AAEIPVYLEI